The following is an entry in ClinVar:

NM_001110556.2(FLNA):c.4644G>A (p.Val1548=)

Gene: FLNA (filamin A; minus strand). Cytogenetic location: Xq28.
Variant type: single nucleotide variant.
Coding change: c.4644G>A on transcript NM_001110556.2 (MANE Select); coding-DNA position 4644, G replaced by A.
Protein change: p.Val1548=; no amino-acid change (valine 1548 retained).
Molecular consequence: synonymous variant.
Genome position (GRCh38, 1-based): chrX:154,358,310, C>T on the plus strand (G>A on the coding strand, the complement: FLNA is on the minus strand). VCF-style: chrX-154358310-C-T. GRCh37 (hg19) VCF-style: chrX-153586678-C-T.
Other names: c.4644G>A (NM_001110556.1); c.4644G>A, p.Val1548= (NM_001456.4).
Identifiers: ClinVar variation 1634633 (VCV001634633.9), dbSNP rs2067678093, ClinGen allele CA519707684.

ClinVar aggregate classification (germline): Likely benign. Review status: criteria provided, single submitter (1 of 4 stars). 2 submissions from 2 submitters: Likely benign (1). 1 of the submissions does not count toward it. Last evaluated 2025-08-25.

Conditions:
FLNA-related disorder.
Melnick-Needles syndrome (MNS). Also called: Melnick-Needles Syndrome (FLNA-MNS); MELNICK-NEEDLES OSTEODYSPLASTY; OSTEODYSPLASTY OF MELNICK AND NEEDLES. Identifiers: Orphanet 2484, MedGen C0025237, MONDO:0010650, OMIM 309350.
Frontometaphyseal dysplasia (FMD1). Identifiers: Orphanet 1826, MedGen C0265293, MONDO:0015942.
Heterotopia, periventricular, X-linked dominant (PVNH1). Also called: PERIVENTRICULAR NODULAR HETEROTOPIA 1; X-linked periventricular heterotopia; PERIVENTRICULAR NODULAR HETEROTOPIA 4; HETEROTOPIA, PERIVENTRICULAR, 1. Identifiers: Orphanet 2149, Orphanet 82004, MedGen C1848213, MONDO:0010233, OMIM 300049.
Oto-palato-digital syndrome, type II (OPD2). Also called: Otopalatodigital Syndrome Type 2 (FLNA-OPD2); Otopalatodigital Syndrome, Type II; FACIOPALATOOSSEOUS SYNDROME; OPD II SYNDROME. Identifiers: Orphanet 669, Orphanet 90652, MedGen C1844696, MONDO:0010571, OMIM 304120.

Submissions (2):

Labcorp Genetics (formerly Invitae), Labcorp
Classification: Likely benign for Oto-palato-digital syndrome, type II; Heterotopia, periventricular, X-linked dominant; Frontometaphyseal dysplasia; Melnick-Needles syndrome. Last evaluated: 2025-08-25. Review status: criteria provided, single submitter. Criteria: Invitae Variant Classification Sherloc (09022015). Collection method: clinical testing. Allele origin: germline.

PreventionGenetics, part of Exact Sciences
Classification: Likely benign for FLNA-related condition. Last evaluated: 2024-08-14. Review status: no assertion criteria provided. Collection method: clinical testing. Allele origin: germline. Not counted in ClinVar's aggregate classification.
Comment: This variant is classified as likely benign based on ACMG/AMP sequence variant interpretation guidelines (Richards et al. 2015 PMID: 25741868, with internal and published modifications).